The following is an entry in ClinVar:

ClinVar aggregate classification (germline): Uncertain significance (1 of 4 stars; one submission).

Allele frequency attached by ClinVar (database versions not stated): ExAC 0.00001; gnomAD 0.00001; TOPMed 0.00002.
gnomAD v4.1: 19 of 1,613,988 alleles (0.0012%); highest among the groups gnomAD compares: African/African-American, 0.0027%; no homozygotes.

Submission:

Labcorp Genetics (formerly Invitae), Labcorp
Classification: Uncertain significance. Last evaluated: 2022-10-24. Review status: criteria provided, single submitter. Criteria: Invitae Variant Classification Sherloc (09022015). Collection method: clinical testing. Allele origin: germline.
Comment: This sequence change replaces arginine, which is basic and polar, with histidine, which is basic and polar, at codon 64 of the SLC24A5 protein (p.Arg64His). This variant is present in population databases (rs760875527, gnomAD 0.02%). This variant has not been reported in the literature in individuals affected with SLC24A5-related conditions. Advanced modeling of protein sequence and biophysical properties (such as structural, functional, and spatial information, amino acid conservation, physicochemical variation, residue mobility, and thermodynamic stability) performed at Invitae indicates that this missense variant is expected to disrupt SLC24A5 protein function. In summary, the available evidence is currently insufficient to determine the role of this variant in disease. Therefore, it has been classified as a Variant of Uncertain Significance.

NM_205850.3(SLC24A5):c.191G>A (p.Arg64His)

Gene: SLC24A5 (solute carrier family 24 member 5; plus strand). Cytogenetic location: 15q21.1.
Variant type: single nucleotide variant.
Coding change: c.191G>A on transcript NM_205850.3 (MANE Select); coding-DNA position 191, G replaced by A.
Protein change: p.Arg64His; replaces arginine 64 with histidine.
Molecular consequence: missense variant.
Genome position (GRCh38, 1-based): chr15:48,121,926, G>A. VCF-style: chr15-48121926-G-A. GRCh37 (hg19) VCF-style: chr15-48414123-G-A.
Other names: short protein forms R64H.
Identifiers: ClinVar variation 2059785 (VCV002059785.1), dbSNP rs760875527, ClinGen allele CA7545783.